The following is an entry in ClinVar:

NM_017946.4(FKBP14):c.203A>G (p.Lys68Arg)

Genes: FKBP14-AS1 (FKBP14 antisense RNA 1; plus strand), FKBP14 (FKBP prolyl isomerase 14; minus strand). Cytogenetic location: 7p14.3.
Variant type: single nucleotide variant.
Coding change: c.203A>G on transcript NM_017946.4 (MANE Select); coding-DNA position 203, A replaced by G.
Protein change: p.Lys68Arg; replaces lysine 68 with arginine.
Molecular consequence: missense variant. On other transcripts: non-coding transcript variant (1).
Genome position (GRCh38, 1-based): chr7:30,022,811, T>C on the plus strand (A>G on the coding strand, the complement: FKBP14 is on the minus strand). VCF-style: chr7-30022811-T-C. GRCh37 (hg19) VCF-style: chr7-30062427-T-C.
Other names: short protein forms K68R.
Identifiers: ClinVar variation 1934498 (VCV001934498.5), dbSNP rs535468522, ClinGen allele CA4203459.

ClinVar aggregate classification (germline): Uncertain significance (1 of 4 stars; one submission).

Conditions:
Ehlers-Danlos syndrome, kyphoscoliotic type, 2. Also called: FKBP14-Kyphoscoliotic Ehlers-Danlos Syndrome; Ehlers-Danlos syndrome with progressive kyphoscoliosis, myopathy, and hearing loss; Ehlers-Danlos syndrome, kyphoscoliotic and deafness type. Identifiers: Orphanet 300179, MedGen C3281160, MONDO:0013800, OMIM 614557.

Allele frequency attached by ClinVar (database versions not stated): gnomAD exomes below 0.00001; ExAC 0.00001; gnomAD 0.00001; 1000 Genomes Project 30x 0.00016; 1000 Genomes Project 0.00020.
gnomAD v4.1: 2 of 1,612,208 alleles (0.00012%); highest among the groups gnomAD compares: South Asian, 0.0022%; no homozygotes.

Submission:

Labcorp Genetics (formerly Invitae), Labcorp
Classification: Uncertain significance for Ehlers-Danlos syndrome, kyphoscoliotic type, 2. Last evaluated: 2022-02-22. Review status: criteria provided, single submitter. Criteria: Invitae Variant Classification Sherloc (09022015). Collection method: clinical testing. Allele origin: germline.
Comment: In summary, the available evidence is currently insufficient to determine the role of this variant in disease. Therefore, it has been classified as a Variant of Uncertain Significance. Algorithms developed to predict the effect of missense changes on protein structure and function (SIFT, PolyPhen-2, Align-GVGD) all suggest that this variant is likely to be tolerated. This variant has not been reported in the literature in individuals affected with FKBP14-related conditions. This variant is present in population databases (rs535468522, gnomAD 0.007%). This sequence change replaces lysine, which is basic and polar, with arginine, which is basic and polar, at codon 68 of the FKBP14 protein (p.Lys68Arg).